The following is an entry in ClinVar:

ClinVar aggregate classification (germline): Likely pathogenic (1 of 4 stars; one submission).

Conditions:
Familial adenomatous polyposis 1 (FAP1). Also called: FAMILIAL ADENOMATOUS POLYPOSIS 1, ATTENUATED; POLYPOSIS, ADENOMATOUS INTESTINAL. Identifiers: MedGen C2713442, MONDO:0021056, OMIM 175100. Disease mechanism: loss of function.

Submission:

Labcorp Genetics (formerly Invitae), Labcorp
Classification: Likely pathogenic for Familial adenomatous polyposis 1. Last evaluated: 2021-08-12. Review status: criteria provided, single submitter. Criteria: Invitae Variant Classification Sherloc (09022015). Collection method: clinical testing. Allele origin: germline.
Comment: This variant results in a copy number gain of the genomic region encompassing exon(s) 2-8 of the APC gene. While the exact position of this variant cannot be determined from the data, sub-genic copy number gains are generally in tandem (PMID: 25640679). This variant is predicted to be out-of-frame, and may result in an absent or disrupted protein product. Loss-of-function variants in APC are known to be pathogenic (PMID: 17963004, 20685668). This variant has not been reported in the literature in individuals affected with APC-related conditions. In summary, the currently available evidence indicates that the variant is pathogenic, but additional data are needed to prove that conclusively. Therefore, this variant has been classified as Likely Pathogenic.

Literature cited by the submitters: PubMed 25640679; PubMed 17963004; PubMed 20685668.

NC_000005.9:g.(?_112090588)_(112137090_?)dup

Gene: APC (APC regulator of Wnt signaling pathway; plus strand). Cytogenetic location: 5q22.2.
Variant type: Duplication.
Identifiers: ClinVar variation 2422184 (VCV002422184.3).